The following is an entry in ClinVar:

ClinVar aggregate classification (germline): Likely pathogenic. Review status: criteria provided, multiple submitters, no conflicts (2 of 4 stars). 2 submissions from 2 submitters: Likely pathogenic (2). Last evaluated 2023-06-19.

Conditions:
Neurofibromatosis, type 1 (NF1). Also called: Peripheral type neurofibromatosis; VON RECKLINGHAUSEN DISEASE; NEUROFIBROMATOSIS, TYPE I, SOMATIC; Neurofibromatosis, type I. Identifiers: Orphanet 636, MedGen C0027831, MONDO:0018975, OMIM 162200. Disease mechanism: loss of function.
NF1-related disorder. Also called: NF1-related condition. Identifiers: MedGen CN379171.

Allele frequency attached by ClinVar (database versions not stated): gnomAD exomes below 0.00001.
gnomAD v4.1: 1 of 1,614,046 alleles (0.000062%); highest among the groups gnomAD compares: Non-Finnish European, 0.000085%; no homozygotes.

Submissions (2):

Labcorp Genetics (formerly Invitae), Labcorp
Classification: Likely pathogenic for Neurofibromatosis, type 1. Last evaluated: 2023-06-19. Review status: criteria provided, single submitter. Criteria: Invitae Variant Classification Sherloc (09022015). Collection method: clinical testing. Allele origin: germline.
Comment: This sequence change replaces serine, which is neutral and polar, with isoleucine, which is neutral and non-polar, at codon 1997 of the NF1 protein (p.Ser1997Ile). This variant is not present in population databases (gnomAD no frequency). This missense change has been observed in individual(s) with neurofibromatosis type 1 (PMID: 28529006; Invitae). Advanced modeling of protein sequence and biophysical properties (such as structural, functional, and spatial information, amino acid conservation, physicochemical variation, residue mobility, and thermodynamic stability) performed at Invitae indicates that this missense variant is expected to disrupt NF1 protein function. This variant disrupts the p.Ser1997 amino acid residue in NF1. Other variant(s) that disrupt this residue have been determined to be pathogenic (PMID: 34694046). This suggests that this residue is clinically significant, and that variants that disrupt this residue are likely to be disease-causing. In summary, the currently available evidence indicates that the variant is pathogenic, but additional data are needed to prove that conclusively. Therefore, this variant has been classified as Likely Pathogenic.

Blueprint Genetics
Classification: Likely pathogenic for NF1-related disorders. Last evaluated: 2023-05-03. Review status: criteria provided, single submitter. Criteria: ACMG Guidelines, 2015. Collection method: clinical testing. Allele origin: germline. Affected: yes. Observed: 3 variant alleles.

Literature cited by the submitters: PubMed 28529006 (cited by Labcorp Genetics (formerly Invitae), Labcorp); PubMed 34694046 (cited by Labcorp Genetics (formerly Invitae), Labcorp).

NM_001042492.3(NF1):c.6053G>T (p.Ser2018Ile)

Gene: NF1 (neurofibromin 1; plus strand). Cytogenetic location: 17q11.2.
Variant type: single nucleotide variant.
Coding change: c.6053G>T on transcript NM_001042492.3 (MANE Select); coding-DNA position 6053, G replaced by T.
Protein change: p.Ser2018Ile; replaces serine 2018 with isoleucine.
Molecular consequence: missense variant.
Genome position (GRCh38, 1-based): chr17:31,336,379, G>T. VCF-style: chr17-31336379-G-T. GRCh37 (hg19) VCF-style: chr17-29663397-G-T.
Other names: c.5990G>T, p.Ser1997Ile (NM_000267.4); short protein forms S2018I, S1997I.
Identifiers: ClinVar variation 2736565 (VCV002736565.4), dbSNP rs2069669492, ClinGen allele CA399011119.